The following is an entry in ClinVar:

ClinVar aggregate classification (germline): Uncertain significance (1 of 4 stars; one submission).

Conditions:
Autosomal dominant nonsyndromic hearing loss 1. Also called: KONIGSMARK SYNDROME; DEAFNESS, AUTOSOMAL DOMINANT 1, WITH OR WITHOUT THROMBOCYTOPENIA. Identifiers: Orphanet 90635, MedGen C1852282, MONDO:0007424, OMIM 124900.
Progressive microcephaly-seizures-cortical blindness-developmental delay syndrome. Also called: Seizures, cortical blindness, and microcephaly syndrome. Identifiers: Orphanet 477814, MedGen C5567650, MONDO:0014714, OMIM 616632.

Submission:

Labcorp Genetics (formerly Invitae), Labcorp
Classification: Uncertain significance for Progressive microcephaly-seizures-cortical blindness-developmental delay syndrome; Autosomal dominant nonsyndromic hearing loss 1. Last evaluated: 2022-09-27. Review status: criteria provided, single submitter. Criteria: Invitae Variant Classification Sherloc (09022015). Collection method: clinical testing. Allele origin: germline.
Comment: In summary, the available evidence is currently insufficient to determine the role of this variant in disease. Therefore, it has been classified as a Variant of Uncertain Significance. Algorithms developed to predict the effect of missense changes on protein structure and function (SIFT, PolyPhen-2, Align-GVGD) all suggest that this variant is likely to be tolerated. ClinVar contains an entry for this variant (Variation ID: 542356). This variant has not been reported in the literature in individuals affected with DIAPH1-related conditions. This variant is not present in population databases (gnomAD no frequency). This sequence change replaces methionine, which is neutral and non-polar, with leucine, which is neutral and non-polar, at codon 1136 of the DIAPH1 protein (p.Met1136Leu).

NM_005219.5(DIAPH1):c.3406A>T (p.Met1136Leu)

Gene: DIAPH1 (diaphanous related formin 1; minus strand). Cytogenetic location: 5q31.3.
Variant type: single nucleotide variant.
Coding change: c.3406A>T on transcript NM_005219.5 (MANE Select); coding-DNA position 3406, A replaced by T.
Protein change: p.Met1136Leu; replaces methionine 1136 with leucine.
Molecular consequence: missense variant.
Genome position (GRCh38, 1-based): chr5:141,526,329, T>A on the plus strand (A>T on the coding strand, the complement: DIAPH1 is on the minus strand). VCF-style: chr5-141526329-T-A. GRCh37 (hg19) VCF-style: chr5-140905896-T-A.
Other names: c.3379A>T, p.Met1127Leu (NM_001079812.3); c.3406A>T, p.Met1136Leu (NM_001314007.2); short protein forms M1136L, M1127L.
Identifiers: ClinVar variation 542356 (VCV000542356.9), dbSNP rs1554200929, ClinGen allele CA361578342.